The following is an entry in ClinVar:

NM_001365536.1(SCN9A):c.5588T>G (p.Met1863Arg)

Genes: SCN1A-AS1 (SCN1A and SCN9A antisense RNA 1; plus strand), SCN9A (sodium voltage-gated channel alpha subunit 9; minus strand). Cytogenetic location: 2q24.3.
Variant type: single nucleotide variant.
Coding change: c.5588T>G on transcript NM_001365536.1 (MANE Select); coding-DNA position 5588, T replaced by G.
Protein change: p.Met1863Arg; replaces methionine 1863 with arginine.
Molecular consequence: missense variant.
Genome position (GRCh38, 1-based): chr2:166,199,051, A>C on the plus strand (T>G on the coding strand, the complement: SCN9A is on the minus strand). VCF-style: chr2-166199051-A-C. GRCh37 (hg19) VCF-style: chr2-167055561-A-C.
Other names: c.5555T>G, p.Met1852Arg (NM_002977.4); short protein forms M1863R, M1852R.
Identifiers: ClinVar variation 3438340 (VCV003438340.2).

ClinVar aggregate classification (germline): Uncertain significance. Review status: criteria provided, multiple submitters, no conflicts (2 of 4 stars). 2 submissions from 2 submitters: Uncertain significance (2). Last evaluated 2026-06-26.

Conditions:
Inborn genetic diseases. Identifiers: MedGen C0950123, MeSH D030342.

Submissions (2):

Women's Health and Genetics/Laboratory Corporation of America, LabCorp
Classification: Uncertain significance. Last evaluated: 2026-06-26. Review status: criteria provided, single submitter. Criteria: LabCorp Variant Classification Summary - May 2015. Collection method: clinical testing. Allele origin: germline.
Comment: Variant summary: SCN9A c.5555T>G (p.Met1852Arg) results in a non-conservative amino acid change in the encoded protein sequence. Algorithms developed to predict the effect of missense changes on protein structure and function all suggest that this variant is likely to be disruptive. The variant allele was found at a frequency of 1.2e-05 in 251482 control chromosomes. The available data on variant occurrences in the general population are insufficient to allow any conclusion about variant significance. To our knowledge, no occurrence of c.5555T>G in individuals affected with SCN9A-related conditions and no experimental evidence demonstrating its impact on protein function have been reported. ClinVar contains an entry for this variant (Variation ID: 3438340). Based on the evidence outlined above, the variant was classified as uncertain significance.

Ambry Genetics
Classification: Uncertain significance for Inborn genetic diseases. Last evaluated: 2024-06-28. Review status: criteria provided, single submitter. Criteria: Ambry Variant Classification Scheme 2023. Collection method: clinical testing. Allele origin: germline.